The following is an entry in ClinVar:

NM_005591.4(MRE11):c.1910C>G (p.Thr637Ser)

Gene: MRE11 (MRE11 double strand break repair nuclease; minus strand). Cytogenetic location: 11q21.
Variant type: single nucleotide variant.
Coding change: c.1910C>G on transcript NM_005591.4 (MANE Select); coding-DNA position 1910, C replaced by G.
Protein change: p.Thr637Ser; replaces threonine 637 with serine.
Molecular consequence: missense variant.
Genome position (GRCh38, 1-based): chr11:94,437,193, G>C on the plus strand (C>G on the coding strand, the complement: MRE11 is on the minus strand). VCF-style: chr11-94437193-G-C. GRCh37 (hg19) VCF-style: chr11-94170359-G-C.
Other names: c.1907C>G, p.Thr636Ser (NM_001330347.2); c.1826C>G, p.Thr609Ser (NM_005590.4); short protein forms T609S, T636S, T637S.
Identifiers: ClinVar variation 944112 (VCV000944112.9), dbSNP rs1945642509, ClinGen allele CA382374667.

ClinVar aggregate classification (germline): Uncertain significance (1 of 4 stars; one submission).

Conditions:
Ataxia-telangiectasia-like disorder (ATLD). Identifiers: MedGen C1858391, MONDO:0011457.

Submission:

Labcorp Genetics (formerly Invitae), Labcorp
Classification: Uncertain significance for Ataxia-telangiectasia-like disorder. Last evaluated: 2021-02-12. Review status: criteria provided, single submitter. Criteria: Invitae Variant Classification Sherloc (09022015). Collection method: clinical testing. Allele origin: germline.
Comment: This sequence change replaces threonine with serine at codon 637 of the MRE11 protein (p.Thr637Ser). The threonine residue is weakly conserved and there is a small physicochemical difference between threonine and serine. Algorithms developed to predict the effect of sequence changes on RNA splicing suggest that this variant may create or strengthen a splice site, but this prediction has not been confirmed by published transcriptional studies. In summary, the available evidence is currently insufficient to determine the role of this variant in disease. Therefore, it has been classified as a Variant of Uncertain Significance. Algorithms developed to predict the effect of missense changes on protein structure and function output the following: SIFT: "Tolerated"; PolyPhen-2: "Benign"; Align-GVGD: "Class C0". The serine amino acid residue is found in multiple mammalian species, suggesting that this missense change does not adversely affect protein function. These predictions have not been confirmed by published functional studies and their clinical significance is uncertain. This variant has not been reported in the literature in individuals with MRE11-related conditions. This variant is not present in population databases (ExAC no frequency).